The following is an entry in ClinVar:

NM_005732.4(RAD50):c.1963C>T (p.Gln655Ter)

Gene: RAD50 (RAD50 double strand break repair protein; plus strand). Cytogenetic location: 5q31.1.
Variant type: single nucleotide variant.
Coding change: c.1963C>T on transcript NM_005732.4 (MANE Select); coding-DNA position 1963, C replaced by T.
Protein change: p.Gln655Ter; replaces glutamine 655 with a stop codon.
Molecular consequence: nonsense.
Genome position (GRCh38, 1-based): chr5:132,595,038, C>T. VCF-style: chr5-132595038-C-T. GRCh37 (hg19) VCF-style: chr5-131930730-C-T.
Other names: short protein forms Q655*.
Identifiers: ClinVar variation 838210 (VCV000838210.10), dbSNP rs1750765838, ClinGen allele CA360948637.

ClinVar aggregate classification (germline): Pathogenic. Review status: criteria provided, multiple submitters, no conflicts (2 of 4 stars). 2 submissions from 2 submitters: Pathogenic (2). Last evaluated 2021-10-09.

Conditions:
Hereditary cancer-predisposing syndrome. Also called: Neoplastic Syndromes, Hereditary; Tumor predisposition; Hereditary neoplastic syndrome; Hereditary Cancer Syndrome. Identifiers: Orphanet 140162, MedGen C0027672, MeSH D009386, MONDO:0015356.

Submissions (2):

Labcorp Genetics (formerly Invitae), Labcorp
Classification: Pathogenic for Hereditary cancer-predisposing syndrome. Last evaluated: 2021-10-09. Review status: criteria provided, single submitter. Criteria: Invitae Variant Classification Sherloc (09022015). Collection method: clinical testing. Allele origin: germline.
Comment: For these reasons, this variant has been classified as Pathogenic. This variant has not been reported in the literature in individuals with RAD50-related conditions. ClinVar contains an entry for this variant (Variation ID: 838210). This variant is not present in population databases (ExAC no frequency). This sequence change creates a premature translational stop signal (p.Gln655*) in the RAD50 gene. It is expected to result in an absent or disrupted protein product. Loss-of-function variants in RAD50 are known to be pathogenic (PMID: 16385572, 19409520).

Ambry Genetics
Classification: Pathogenic for Hereditary cancer-predisposing syndrome. Last evaluated: 2020-01-03. Review status: criteria provided, single submitter. Criteria: Ambry Variant Classification Scheme 2023. Collection method: clinical testing. Allele origin: germline.
Comment: The p.Q655* pathogenic mutation (also known as c.1963C>T), located in coding exon 12 of the RAD50 gene, results from a C to T substitution at nucleotide position 1963. This changes the amino acid from a glutamine to a stop codon within coding exon 12. This alteration is expected to result in loss of function by premature protein truncation or nonsense-mediated mRNA decay. As such, this alteration is interpreted as a disease-causing mutation.

Literature cited by the submitters: PubMed 16385572 (cited by Labcorp Genetics (formerly Invitae), Labcorp); PubMed 19409520 (cited by Labcorp Genetics (formerly Invitae), Labcorp).